The following is an entry in ClinVar:

ClinVar aggregate classification (germline): Conflicting classifications of pathogenicity. Review status: criteria provided, conflicting classifications (1 of 4 stars). 3 submissions from 3 submitters: Likely pathogenic (1); Uncertain significance (2). Last evaluated 2023-09-06.

Conditions:
Macular corneal dystrophy (MCD). Also called: Macular corneal dystrophy Type I; GROENOUW TYPE II CORNEAL DYSTROPHY. Identifiers: Orphanet 98969, MedGen C1636149, MONDO:0009020, OMIM 217800.

gnomAD v4.1: 1 of 1,612,760 alleles (0.000062%); no homozygotes.

Submissions (3):

Department of Paediatric Medicine, Post Graduation Institute of Medical Education and Research
Classification: Likely pathogenic for Macular corneal dystrophy. Last evaluated: 2023-09-06. Review status: criteria provided, single submitter. Criteria: ACMG Guidelines, 2015. Collection method: clinical testing. Allele origin: germline. Inheritance: Autosomal recessive inheritance. Affected: yes. Observed: 1 variant allele, 1 homozygote.
Comment: The variant is likely pathogenic with score of 6 PP3_strong(4 points )+PM2_supporting(1 point)+PP2_supporting(1 point)

Neuberg Centre For Genomic Medicine, NCGM
Classification: Uncertain significance for Macular corneal dystrophy. Last evaluated: 2023-06-22. Review status: criteria provided, single submitter. Criteria: ACMG Guidelines, 2015. Collection method: clinical testing. Allele origin: germline. Inheritance: Autosomal recessive inheritance. Affected: yes.
Comment: The missense c.481G>C (p.Ala161Pro) variant in CHST6 gene has not been reported previously as a pathogenic variant nor as a benign variant, to our knowledge. The p.Ala161Pro variant is absent in gnomAD Exomes. This variant has not been submitted to the ClinVar database. Multiple lines of computational evidence (Polyphen - Probably Damaging, SIFT - Damaging and MutationTaster - Polymorphism) predicts conflicting evidence on protein structure and function for this variant. The reference amino acid at this position in CHST6 is predicted as conserved by GERP++ and PhyloP across 100 vertebrates. The amino acid Ala at position 161 is changed to a Pro changing protein sequence and it might alter its composition and physico-chemical properties. For these reasons, this variant has been classified as a Variant of Uncertain Significance (VUS).

Blueprint Genetics
Classification: Uncertain significance. Last evaluated: 2018-09-05. Review status: criteria provided, single submitter. Criteria: ACMG Guidelines, 2015. Collection method: clinical testing. Allele origin: germline.

NM_021615.5(CHST6):c.481G>C (p.Ala161Pro)

Gene: CHST6 (carbohydrate sulfotransferase 6; minus strand). Cytogenetic location: 16q23.1.
Variant type: single nucleotide variant.
Coding change: c.481G>C on transcript NM_021615.5 (MANE Select); coding-DNA position 481, G replaced by C.
Protein change: p.Ala161Pro; replaces alanine 161 with proline.
Molecular consequence: missense variant.
Genome position (GRCh38, 1-based): chr16:75,479,348, C>G on the plus strand (G>C on the coding strand, the complement: CHST6 is on the minus strand). VCF-style: chr16-75479348-C-G. GRCh37 (hg19) VCF-style: chr16-75513246-C-G.
Other names: short protein forms A161P.
Identifiers: ClinVar variation 2581091 (VCV002581091.4), dbSNP rs1482996862, ClinGen allele CA396792669.
Genomic context (GRCh38, chr16:75,479,348, plus strand): 5'-GGTTGAAGAAGCGCACCTCCTTGAGCACCACGTGGCTGTAGGAGCGGCAGGCCTCCCGGG[C>G]CAGGGTGAAGGACTGCCGCGCGCACAGTGGCTTGCACACGGCCTCGCTGCTGATGGCGCC-3'
Protein context (NP_067628.1, residues 151-171): PLCARQSFTL[Ala161Pro]REACRSYSHV